The following is an entry in ClinVar:

NM_000465.4(BARD1):c.1811T>C (p.Val604Ala)

Gene: BARD1 (BRCA1 associated RING domain 1; minus strand). Cytogenetic location: 2q35.
Variant type: single nucleotide variant.
Coding change: c.1811T>C on transcript NM_000465.4 (MANE Select); coding-DNA position 1811, T replaced by C.
Protein change: p.Val604Ala; replaces valine 604 with alanine.
Molecular consequence: missense variant. On other transcripts: non-coding transcript variant (3), intron variant (1).
Genome position (GRCh38, 1-based): chr2:214,745,159, A>G on the plus strand (T>C on the coding strand, the complement: BARD1 is on the minus strand). VCF-style: chr2-214745159-A-G. GRCh37 (hg19) VCF-style: chr2-215609883-A-G.
Other names: c.1754T>C, p.Val585Ala (NM_001282543.2); c.458T>C, p.Val153Ala (NM_001282545.2); c.401T>C, p.Val134Ala (NM_001282548.2); c.365-14651T>C (NM_001282549.2); short protein forms V604A, V585A, V134A, V153A.
Identifiers: ClinVar variation 4824134 (VCV004824134.1).

ClinVar aggregate classification (germline): Uncertain significance (1 of 4 stars; one submission).

Conditions:
Hereditary cancer-predisposing syndrome. Also called: Neoplastic Syndromes, Hereditary; Hereditary neoplastic syndrome; Tumor predisposition; Hereditary Cancer Syndrome. Identifiers: Orphanet 140162, MedGen C0027672, MeSH D009386, MONDO:0015356.

Submission:

Ambry Genetics
Classification: Uncertain significance for Hereditary cancer-predisposing syndrome. Last evaluated: 2026-02-19. Review status: criteria provided, single submitter. Criteria: Ambry Variant Classification Scheme 2023. Collection method: clinical testing. Allele origin: germline.
Comment: The p.V604A variant (also known as c.1811T>C) is located in coding exon 9 of the BARD1 gene. The valine at codon 604 is replaced by alanine, an amino acid with similar properties. This change occurs in the first base pair of coding exon 9. This amino acid position is highly conserved in available vertebrate species. In addition, the in silico prediction for this alteration is inconclusive. Based on the available evidence, the clinical significance of this variant remains unclear.